The following is an entry in ClinVar:

NM_004453.4(ETFDH):c.739G>C (p.Gly247Arg)

Gene: ETFDH (electron transfer flavoprotein dehydrogenase; plus strand). Cytogenetic location: 4q32.1.
Variant type: single nucleotide variant.
Coding change: c.739G>C on transcript NM_004453.4 (MANE Select); coding-DNA position 739, G replaced by C.
Protein change: p.Gly247Arg; replaces glycine 247 with arginine.
Molecular consequence: missense variant.
Genome position (GRCh38, 1-based): chr4:158,695,551, G>C. VCF-style: chr4-158695551-G-C. GRCh37 (hg19) VCF-style: chr4-159616703-G-C.
Other names: p.G247R:GGT>CGT; c.598G>C, p.Gly200Arg (NM_001281737.2); c.556G>C, p.Gly186Arg (NM_001281738.1); c.739G>C (NM_004453.3); short protein forms G247R, G200R, G186R.
Identifiers: ClinVar variation 203717 (VCV000203717.4), dbSNP rs758218892, ClinGen allele CA312533.
Genomic context (GRCh38, chr4:158,695,551, plus strand): 5'-TTTCAGGCAACATTTGAGAGAGGACTGGAACTACATGCTAAAGTCACAATTTTTGCAGAA[G>C]GTTGCCATGGACATCTAGCCAAGCAACTATATAAGAAGTTTGATTTGAGAGCAAATTGTG-3'
Protein context (NP_004444.2, residues 237-257): LHAKVTIFAE[Gly247Arg]CHGHLAKQLY

ClinVar aggregate classification (germline): Conflicting classifications of pathogenicity. Review status: criteria provided, conflicting classifications (1 of 4 stars). 2 submissions from 2 submitters: Likely pathogenic (1); Uncertain significance (1). Last evaluated 2025-08-18.

Conditions:
Glutaric acidemia type 2C.

Allele frequency attached by ClinVar (database versions not stated): ExAC 0.00001; gnomAD exomes below 0.00001; TOPMed below 0.00001.
gnomAD v4.1: 1 of 1,612,764 alleles (0.000062%); highest among the groups gnomAD compares: Non-Finnish European, 0.000085%; no homozygotes.

Submissions (2):

Natera, Inc.
Classification: Likely pathogenic for Glutaric acidemia type 2C. Last evaluated: 2025-08-18. Review status: criteria provided, single submitter. Criteria: Natera Variant Classification Schema (03/2026). Collection method: clinical testing. Allele origin: germline.
Comment: The c.739G>C variant in ETFDH is a missense variant predicted to cause substitution of glycine to arginine at amino acid 247. This variant is rare in the general population with a frequency below the threshold expected for the associated phenotype(s). This variant has been observed in one or more individuals affected with the associated recessive disease, as either homozygous or compound heterozygous with a second variant (PMID: 28973083). This variant has been identified in one or more affected individual with a phenotype highly consistent with the associated gene (PMID: 28973083). Computational prediction algorithms indicate this variant is likely to affect gene or protein function. Given the available evidence, this variant is classified as Likely Pathogenic.

GeneDx
Classification: Uncertain significance. Last evaluated: 2023-11-15. Review status: criteria provided, single submitter. Criteria: GeneDx Variant Classification Process June 2021. Collection method: clinical testing. Allele origin: germline. Affected: yes.
Comment: Identified with a second variant in ETFDH in patient in a neonatal intensive care unit; detailed clinical information was not reported (PMID: 28973083); Not observed at significant frequency in large population cohorts (gnomAD); In silico analysis supports that this missense variant has a deleterious effect on protein structure/function; This variant is associated with the following publications: (PMID: 28973083)

Literature cited by the submitters: PubMed 28973083 (cited by Natera, Inc.).